The following is an entry in ClinVar:

NM_001673.5(ASNS):c.1059del (p.Lys354fs)

Genes: ASNS (asparagine synthetase (glutamine-hydrolyzing); minus strand), CZ1P-ASNS (CZ1P-ASNS readthrough; minus strand). Cytogenetic location: 7q21.3.
Variant type: Deletion.
Coding change: c.1059del on transcript NM_001673.5 (MANE Select); coding-DNA position 1059, one base deleted (G; older notation c.1059delG).
Protein change: p.Lys354fs; shifts the reading frame from lysine 354.
Molecular consequence: frameshift variant. On other transcripts: non-coding transcript variant (1).
Genome position (GRCh38, 1-based): chr7:97,855,431, C deleted on the plus strand (G on the coding strand, the reverse complement: ASNS is on the minus strand); the first of 2 consecutive C bases (chr7:97,855,431-97,855,432); deleting either gives the same sequence. VCF-style (leftmost placement, unchanged base first): chr7-97855430-TC-T. GRCh37 (hg19) VCF-style: chr7-97484742-TC-T.
Other names: c.1059del, p.Lys354fs (NM_133436.3, NM_001352496.2, NM_183356.4); c.996del, p.Lys333fs (NM_001178075.2); c.810del, p.Lys271fs (NM_001178076.2, NM_001178077.1); short protein forms K271fs, K333fs, K354fs.
Identifiers: ClinVar variation 1323942 (VCV001323942.9), dbSNP rs2115616730, ClinGen allele CA2573052951.

ClinVar aggregate classification (germline): Pathogenic/Likely pathogenic. Review status: criteria provided, multiple submitters, no conflicts (2 of 4 stars). 4 submissions from 4 submitters: Pathogenic (2); Likely pathogenic (2). Last evaluated 2025-11-28.

Conditions:
Congenital microcephaly - severe encephalopathy - progressive cerebral atrophy syndrome. Also called: ASNS DEFICIENCY; Asparagine synthetase deficiency. Identifiers: Orphanet 391376, MedGen C3809971, MONDO:0014258, OMIM 615574.

Submissions (4):

Myriad Genetics, Inc.
Classification: Pathogenic for Congenital microcephaly - severe encephalopathy - progressive cerebral atrophy syndrome. Last evaluated: 2025-11-28. Review status: criteria provided, single submitter. Criteria: Myriad Autosomal Dominant, Autosomal Recessive and X-Linked Classification Criteria (2023). Collection method: clinical testing. Allele origin: unknown.
Comment: NM_001673.4(ASNS):c.1059delG(K354Rfs*7) is expected to be pathogenic in the context of asparagine synthetase deficiency. This variant is predicted to lead to an abnormal or absent protein product due to the creation of a premature termination codon in ASNS, a gene where loss-of-function variants are known to be pathogenic. Please note: this variant was assessed in the context of healthy population screening.

Natera, Inc.
Classification: Likely pathogenic for Asparagine synthetase deficiency. Last evaluated: 2024-09-22. Review status: criteria provided, single submitter. Criteria: Natera Variant Classification Schema (03/2026). Collection method: clinical testing. Allele origin: germline.
Comment: The c.1059del variant in ASNS is a frameshift variant predicted to shift the reading frame beginning at codon 354 and leads to a stop codon 7 codons downstream. This variant is expected to result in nonsense mediated decay, truncation, or a dysfunctional protein product. This variant is rare in the general population with a frequency below the threshold expected for the associated phenotype(s). Given the available evidence, this variant is classified as Likely Pathogenic.

Labcorp Genetics (formerly Invitae), Labcorp
Classification: Pathogenic. Last evaluated: 2023-11-20. Review status: criteria provided, single submitter. Criteria: Invitae Variant Classification Sherloc (09022015). Collection method: clinical testing. Allele origin: germline.
Comment: This sequence change creates a premature translational stop signal (p.Lys354Argfs*7) in the ASNS gene. It is expected to result in an absent or disrupted protein product. Loss-of-function variants in ASNS are known to be pathogenic (PMID: 27422383, 30057589). This variant is not present in population databases (gnomAD no frequency). This variant has not been reported in the literature in individuals affected with ASNS-related conditions. ClinVar contains an entry for this variant (Variation ID: 1323942). For these reasons, this variant has been classified as Pathogenic.

Revvity Omics, Revvity
Classification: Likely pathogenic for Congenital microcephaly - severe encephalopathy - progressive cerebral atrophy syndrome. Last evaluated: 2021-09-07. Review status: criteria provided, single submitter. Criteria: ACMG Guidelines, 2015. Collection method: clinical testing. Allele origin: germline.

Literature cited by the submitters: PubMed 27422383 (cited by Labcorp Genetics (formerly Invitae), Labcorp); PubMed 30057589 (cited by Labcorp Genetics (formerly Invitae), Labcorp).